The following is an entry in ClinVar:

NM_001164508.2(NEB):c.24944_24963del (p.Glu8315fs)

Genes: NEB (nebulin; minus strand), RIF1 (replication timing regulatory factor 1; plus strand). Cytogenetic location: 2q23.3.
Variant type: Deletion.
Coding change: c.24944_24963del on transcript NM_001164508.2 (MANE Select); coding-DNA positions 24944 to 24963, 20 bases deleted (AACGAGTAAAGAAGAACATG).
Protein change: p.Glu8315fs; shifts the reading frame from glutamic acid 8315.
Molecular consequence: frameshift variant.
Genome position (GRCh38, 1-based): chr2:151,492,192-151,492,211, CATGTTCTTCTTTACTCGTT deleted on the plus strand (AACGAGTAAAGAAGAACATG on the coding strand, the reverse complement: NEB is on the minus strand); deleting any 20 consecutive bases within chr2:151,492,192-151,492,213 gives the same sequence; the c. name uses the placement nearest the transcript's 3' end. VCF-style (leftmost placement, unchanged base first): chr2-151492191-GCATGTTCTTCTTTACTCGTT-G. GRCh37 (hg19) VCF-style: chr2-152348705-GCATGTTCTTCTTTACTCGTT-G.
Other names: c.24944_24963del, p.Glu8315fs (NM_001164507.2); c.25049_25068del, p.Glu8350fs (NM_001271208.2); c.19376_19395del, p.Glu6459fs (NM_004543.5); short protein forms E6459fs, E8315fs, E8350fs.
Identifiers: ClinVar variation 5003869 (VCV005003869.1).

ClinVar aggregate classification (germline): Pathogenic (1 of 4 stars; one submission).

Conditions:
Nemaline myopathy 2 (NEM2). Also called: Nemaline myopathy 2, autosomal recessive. Identifiers: MedGen C1850569, MONDO:0009725, OMIM 256030.

Submission:

Myriad Genetics, Inc.
Classification: Pathogenic for Nemaline myopathy 2. Last evaluated: 2025-12-22. Review status: criteria provided, single submitter. Criteria: Myriad Autosomal Dominant, Autosomal Recessive and X-Linked Classification Criteria (2023). Collection method: clinical testing. Allele origin: unknown.
Comment: NM_001271208.1(NEB):c.25049_25068del20(E8350Afs*5) is a frameshift variant classified as pathogenic in the context of NEB-related nemaline myopathy. E8350Afs*5 has not been observed in cases with relevant disease. Relevant functional assessments of this variant are not available in the literature. E8350Afs*5 has not been observed in referenced population frequency databases. In summary, NM_001271208.1(NEB):c.25049_25068del20(E8350Afs*5) is a frameshift variant in a gene where loss of function is a known mechanism of disease and is predicted to disrupt protein function. Please note: this variant was assessed in the context of healthy population screening.